The following is an entry in ClinVar:

NM_001384732.1(CPLANE1):c.4552A>G (p.Lys1518Glu)

Gene: CPLANE1 (ciliogenesis and planar polarity effector complex subunit 1; minus strand). Cytogenetic location: 5p13.2.
Variant type: single nucleotide variant.
Coding change: c.4552A>G on transcript NM_001384732.1 (MANE Select); coding-DNA position 4552, A replaced by G.
Protein change: p.Lys1518Glu; replaces lysine 1518 with glutamic acid.
Molecular consequence: missense variant.
Genome position (GRCh38, 1-based): chr5:37,183,629, T>C on the plus strand (A>G on the coding strand, the complement: CPLANE1 is on the minus strand). VCF-style: chr5-37183629-T-C. GRCh37 (hg19) VCF-style: chr5-37183731-T-C.
Other names: c.4552A>G, p.Lys1518Glu (NM_023073.4); short protein forms K1518E.
Identifiers: ClinVar variation 2172401 (VCV002172401.1), dbSNP rs777297584, ClinGen allele CA3238676.
Genomic context (GRCh38, chr5:37,183,629, plus strand): 5'-TTACAGGAAGTGTATTTTGTGATAACTTTTCATGATCTTCTTTCTTTGTAGGATTTTCTT[T>C]CTGATTACACATTTTCCTTTTATCAGTTGGCTTATGAATTGATGTTAATTCCATGTGATT-3'
Protein context (NP_001371661.1, residues 1508-1528): PTDKRKMCNQ[Lys1518Glu]ENPTKKEDHE

ClinVar aggregate classification (germline): Uncertain significance (1 of 4 stars; one submission).

Allele frequency attached by ClinVar (database versions not stated): gnomAD exomes below 0.00001; gnomAD 0.00001; ExAC 0.00002.
gnomAD v4.1: 5 of 1,612,344 alleles (0.00031%); highest among the groups gnomAD compares: Non-Finnish European, 0.00042%; no homozygotes.

Submission:

Labcorp Genetics (formerly Invitae), Labcorp
Classification: Uncertain significance. Last evaluated: 2022-03-26. Review status: criteria provided, single submitter. Criteria: Invitae Variant Classification Sherloc (09022015). Collection method: clinical testing. Allele origin: germline.
Comment: This sequence change replaces lysine, which is basic and polar, with glutamic acid, which is acidic and polar, at codon 1518 of the CPLANE1 protein (p.Lys1518Glu). This variant is present in population databases (rs777297584, gnomAD 0.002%). This variant has not been reported in the literature in individuals affected with CPLANE1-related conditions. Advanced modeling of protein sequence and biophysical properties (such as structural, functional, and spatial information, amino acid conservation, physicochemical variation, residue mobility, and thermodynamic stability) performed at Invitae indicates that this missense variant is not expected to disrupt CPLANE1 protein function. In summary, the available evidence is currently insufficient to determine the role of this variant in disease. Therefore, it has been classified as a Variant of Uncertain Significance.